The following is an entry in ClinVar:

ClinVar aggregate classification (germline): Benign. Review status: reviewed by expert panel (3 of 4 stars). 31 submissions from 31 submitters: Benign (1). 30 of the submissions do not count toward it. Last evaluated 2015-08-10.

Conditions:
Breast-ovarian cancer, familial, susceptibility to, 1 (BROVCA1). Also called: BRCA1 Hereditary Breast and Ovarian Cancer; OVARIAN CANCER, SUSCEPTIBILITY TO. Identifiers: Orphanet 145, MedGen C2676676, MONDO:0011450, OMIM 604370. Disease mechanism: loss of function.
Pancreatic cancer, susceptibility to, 4. Identifiers: Orphanet 1333, MedGen C3280442, MONDO:0013685, OMIM 614320.
Familial cancer of breast. Also called: Hereditary breast cancer; BREAST CANCER, FAMILIAL; hereditary breast carcinoma. Identifiers: Orphanet 227535, MedGen C0346153, MONDO:0016419, OMIM 114480. Disease mechanism: loss of function.
Fanconi anemia, complementation group S (FANCS). Identifiers: MedGen C4554406, MONDO:0054748, OMIM 617883.
Breast and/or ovarian cancer. Identifiers: MedGen CN221562.
Hereditary cancer-predisposing syndrome. Also called: Tumor predisposition; Neoplastic Syndromes, Hereditary; Hereditary Cancer Syndrome; Hereditary neoplastic syndrome. Identifiers: Orphanet 140162, MedGen C0027672, MeSH D009386, MONDO:0015356.
Hereditary breast ovarian cancer syndrome. Also called: Hereditary breast and ovarian cancer syndrome; Hereditary breast and ovarian cancer; Hereditary breast and ovarian cancer syndrome (HBOC); Hereditary breast and/or ovarian cancer syndrome; Breast and ovarian cancer; BRCA1- and BRCA2-Associated Hereditary Breast and Ovarian Cancer. Identifiers: Orphanet 145, MedGen C0677776, MeSH D061325, MONDO:0003582. Disease mechanism: loss of function.

Allele frequency attached by ClinVar (database versions not stated): gnomAD exomes 0.00015 and 0.00021; TOPMed 0.00016; ExAC 0.00010; gnomAD 0.00011.
gnomAD v4.1: 313 of 1,613,668 alleles (0.019%); highest among the groups gnomAD compares: Middle Eastern, 0.05%; no homozygotes.

Submissions 1 to 21 of 31:

Evidence-based Network for the Interpretation of Germline Mutant Alleles (ENIGMA)
Classification: Benign for Breast-ovarian cancer, familial 1. Last evaluated: 2015-08-10. Review status: reviewed by expert panel. Criteria: ENIGMA BRCA1/2 Classification Criteria (2015). Collection method: curation. Allele origin: germline.
Comment: IARC class based on posterior probability from multifactorial likelihood analysis, thresholds for class as per Plon et al. 2008 (PMID: 18951446). Class 1 based on posterior probability = 0.0000000000000163

Labcorp Genetics (formerly Invitae), Labcorp
Classification: Benign for Hereditary breast ovarian cancer syndrome. Last evaluated: 2026-02-03. Review status: criteria provided, single submitter. Criteria: Invitae Variant Classification Sherloc (09022015). Collection method: clinical testing. Allele origin: germline. Not counted in ClinVar's aggregate classification.

CeGaT Center for Human Genetics Tuebingen
Classification: Benign. Last evaluated: 2025-06-01. Review status: criteria provided, single submitter. Criteria: CeGaT Center For Human Genetics Tuebingen Variant Classification Criteria Version 2. Collection method: clinical testing. Allele origin: germline. Affected: yes. Observed: 1 variant allele. Not counted in ClinVar's aggregate classification.
Comment: BRCA1: BS1, BS2

Center for Genomic Medicine, Rigshospitalet, Copenhagen University Hospital
Classification: Benign. Last evaluated: 2025-03-04. Review status: criteria provided, single submitter. Criteria: ACMG Guidelines, 2015. Collection method: clinical testing. Allele origin: germline. Not counted in ClinVar's aggregate classification.

Blueprint Genetics
Classification: Likely benign. Last evaluated: 2024-11-26. Review status: criteria provided, single submitter. Criteria: ACMG Guidelines, 2015. Collection method: clinical testing. Allele origin: germline. Not counted in ClinVar's aggregate classification.

Institute for Biomarker Research, Medical Diagnostic Laboratories, L.L.C.
Classification: Likely benign for Hereditary breast ovarian cancer syndrome. Last evaluated: 2024-02-14. Review status: criteria provided, single submitter. Criteria: ACMG Guidelines, 2015. Collection method: clinical testing. Allele origin: germline. Not counted in ClinVar's aggregate classification.

KCCC/NGS Laboratory, Kuwait Cancer Control Center
Classification: Benign for Breast-ovarian cancer, familial, susceptibility to, 1. Last evaluated: 2023-07-07. Review status: criteria provided, single submitter. Criteria: ACMG Guidelines, 2015. Collection method: clinical testing. Allele origin: germline. Affected: yes. Not counted in ClinVar's aggregate classification.

Fulgent Genetics
Classification: Benign for Familial cancer of breast; Breast-ovarian cancer, familial, susceptibility to, 1; Pancreatic cancer, susceptibility to, 4; Fanconi anemia, complementation group S. Last evaluated: 2022-01-24. Review status: criteria provided, single submitter. Criteria: ACMG Guidelines, 2015. Collection method: clinical testing. Allele origin: unknown. Not counted in ClinVar's aggregate classification.

Laboratory for Molecular Medicine, Mass General Brigham Personalized Medicine
Classification: Likely benign. Last evaluated: 2022-01-05. Review status: criteria provided, single submitter. Criteria: ACMG Guidelines, 2015. Collection method: clinical testing. Allele origin: germline. Not counted in ClinVar's aggregate classification.
Comment: proposed classification - variant undergoing re-assessment, contact laboratory

Sema4
Classification: Likely benign for Hereditary cancer-predisposing syndrome. Last evaluated: 2021-05-27. Review status: criteria provided, single submitter. Criteria: Sema4 Curation Guidelines. Collection method: curation. Allele origin: germline. Not counted in ClinVar's aggregate classification.

ARUP Laboratories, Molecular Genetics and Genomics, ARUP Laboratories
Classification: Benign. Last evaluated: 2020-06-16. Review status: criteria provided, single submitter. Criteria: ARUP Molecular Germline Variant Investigation Process. Collection method: clinical testing. Allele origin: germline. Not counted in ClinVar's aggregate classification.

Illumina Laboratory Services, Illumina
Classification: Likely benign for Breast-ovarian cancer, familial, susceptibility to, 1. Last evaluated: 2018-05-01. Review status: criteria provided, single submitter. Criteria: ICSL Variant Classification Criteria 13 December 2019. Collection method: clinical testing. Allele origin: germline. Not counted in ClinVar's aggregate classification.
Comment: This variant was observed as part of a predisposition screen in an ostensibly healthy population. A literature search was performed for the gene, cDNA change, and amino acid change (where applicable). Publications were found based on this search. The evidence from the literature, in combination with allele frequency data from public databases where available, was sufficient to determine this variant is unlikely to cause disease. Therefore, this variant is classified as likely benign.

PreventionGenetics, part of Exact Sciences
Classification: Likely benign. Last evaluated: 2017-07-14. Review status: criteria provided, single submitter. Criteria: ACMG Guidelines, 2015. Collection method: clinical testing. Allele origin: germline. Not counted in ClinVar's aggregate classification.

Baylor Genetics
Classification: Benign for Familial cancer of breast. Last evaluated: 2017-02-23. Review status: criteria provided, single submitter. Criteria: ACMG Guidelines, 2015. Collection method: clinical testing. Allele origin: germline. Inheritance: Autosomal dominant inheritance. Affected: no. Not counted in ClinVar's aggregate classification.

Clinical Genetics DNA and cytogenetics Diagnostics Lab, Erasmus MC, Erasmus Medical Center
Classification: Benign for Breast-ovarian cancer, familial, susceptibility to, 1. Last evaluated: 2015-09-21. Review status: criteria provided, single submitter. Criteria: ACGS Guidelines, 2013. Collection method: clinical testing. Allele origin: germline. Affected: yes. Study: VKGL Data-share Consensus. Not counted in ClinVar's aggregate classification.

Color Diagnostics, LLC DBA Color Health
Classification: Likely benign for Hereditary cancer-predisposing syndrome. Last evaluated: 2015-04-20. Review status: criteria provided, single submitter. Criteria: ACMG Guidelines, 2015. Collection method: clinical testing. Allele origin: germline. Not counted in ClinVar's aggregate classification.

Ambry Genetics
Classification: Benign for Hereditary cancer-predisposing syndrome. Last evaluated: 2014-11-18. Review status: criteria provided, single submitter. Criteria: Ambry Variant Classification Scheme 2023. Collection method: clinical testing. Allele origin: germline. Not counted in ClinVar's aggregate classification.

Genome Diagnostics Laboratory, University Medical Center Utrecht
Classification: Benign for Breast-ovarian cancer, familial, susceptibility to, 1. Last evaluated: 2014-10-09. Review status: criteria provided, single submitter. Criteria: ACGS Guidelines, 2013. Collection method: clinical testing. Allele origin: germline. Affected: yes. Study: VKGL Data-share Consensus. Not counted in ClinVar's aggregate classification.

Eurofins Ntd Llc (ga)
Classification: Benign. Last evaluated: 2014-09-04. Review status: criteria provided, single submitter. Criteria: EGL Classification Definitions 2015. Collection method: clinical testing. Allele origin: germline. Not counted in ClinVar's aggregate classification.

Breakthrough Genomics
Classification: Benign. Review status: criteria provided, single submitter. Criteria: ACMG Guidelines, 2015. Collection method: not provided. Allele origin: germline. Inheritance: Autosomal recessive inheritance. Affected: yes. Not counted in ClinVar's aggregate classification.

Mayo Clinic Laboratories, Mayo Clinic
Classification: Benign. Last evaluated: 2017-04-25. Review status: no assertion criteria provided. Collection method: clinical testing. Allele origin: unknown. Not counted in ClinVar's aggregate classification.

NM_007294.4(BRCA1):c.2596C>T (p.Arg866Cys)

Gene: BRCA1 (BRCA1 DNA repair associated; minus strand). Cytogenetic location: 17q21.31.
Variant type: single nucleotide variant.
Coding change: c.2596C>T on transcript NM_007294.4 (MANE Select); coding-DNA position 2596, C replaced by T.
Protein change: p.Arg866Cys; replaces arginine 866 with cysteine.
Molecular consequence: missense variant. On other transcripts: intron variant (137).
Genome position (GRCh38, 1-based): chr17:43,092,935, G>A on the plus strand (C>T on the coding strand, the complement: BRCA1 is on the minus strand). VCF-style: chr17-43092935-G-A. GRCh37 (hg19) VCF-style: chr17-41244952-G-A.
Other names: 2715C>T; c.2470C>T, p.Arg824Cys (NM_001407685.1, NM_001407686.1, NM_001407687.1 and 11 more transcripts); c.2455C>T, p.Arg819Cys (NM_001407725.1, NM_001407726.1, NM_001407727.1 and 29 more transcripts); c.2452C>T, p.Arg818Cys (NM_001407744.1, NM_001407745.1, NM_001407746.1 and 20 more transcripts); c.2383C>T, p.Arg795Cys (NM_001407853.1, NM_001407894.1, NM_001407895.1 and 9 more transcripts); c.2596C>T, p.Arg866Cys (NM_001407854.1, NM_001407858.1, NM_001407859.1 and 30 more transcripts); c.2593C>T, p.Arg865Cys (NM_001407860.1, NM_001407587.1, NM_001407590.1 and 22 more transcripts); c.2386C>T, p.Arg796Cys (NM_001407886.1, NM_001407887.1, NM_001407889.1 and 13 more transcripts); and 42 more; short protein forms R866C, R819C, R738C, R754C, R755C, R778C, R798C, R799C.
Identifiers: ClinVar variation 41811 (VCV000041811.64), dbSNP rs41286300, ClinGen allele CA001708.